The following is an entry in ClinVar:

NM_000444.6(PHEX):c.2012dup (p.Leu672fs)

Genes: PHEX (phosphate regulating endopeptidase X-linked; plus strand), PTCHD1-AS (PTCHD1 and PHEX antisense RNA; minus strand). Cytogenetic location: Xp22.11.
Variant type: Duplication.
Coding change: c.2012dup on transcript NM_000444.6 (MANE Select); coding-DNA position 2012, one base duplicated (C; older notation c.2012dupC).
Protein change: p.Leu672fs; shifts the reading frame from leucine 672.
Molecular consequence: frameshift variant. On other transcripts: non-coding transcript variant (1).
Genome position (GRCh38, 1-based): chrX:22,227,553, C duplicated; the last of 2 consecutive C bases (chrX:22,227,552-22,227,553); duplicating either gives the same sequence. VCF-style (leftmost placement, unchanged base first): chrX-22227551-G-GC. GRCh37 (hg19) VCF-style: chrX-22245668-G-GC.
Other names: c.2012dup, p.Leu672fs (NM_001282754.2); short protein forms L672fs.
Identifiers: ClinVar variation 2129834 (VCV002129834.4), dbSNP rs2147184665, ClinGen allele CA2580100533.

ClinVar aggregate classification (germline): Pathogenic (1 of 4 stars; one submission).

Submission:

Labcorp Genetics (formerly Invitae), Labcorp
Classification: Pathogenic. Last evaluated: 2022-04-23. Review status: criteria provided, single submitter. Criteria: Invitae Variant Classification Sherloc (09022015). Collection method: clinical testing. Allele origin: germline.
Comment: This variant is not present in population databases (gnomAD no frequency). This sequence change creates a premature translational stop signal (p.Leu672Serfs*45) in the PHEX gene. While this is not anticipated to result in nonsense mediated decay, it is expected to disrupt the last 78 amino acid(s) of the PHEX protein. This variant has not been reported in the literature in individuals affected with PHEX-related conditions. This variant disrupts a region of the PHEX protein in which other variant(s) (p.Arg747*) have been determined to be pathogenic (PMID: 9199930, 9768674). This suggests that this is a clinically significant region of the protein, and that variants that disrupt it are likely to be disease-causing. For these reasons, this variant has been classified as Pathogenic.

Literature cited by the submitters: PubMed 9199930; PubMed 9768674.